The following is an entry in ClinVar:

ClinVar aggregate classification (germline): Uncertain significance (1 of 4 stars; one submission).

Conditions:
Long QT syndrome (LQTS). Identifiers: MedGen C0023976, MeSH D008133, MONDO:0002442. Disease mechanism: loss of function. Inheritance: Various modes of inheritance.

Allele frequency attached by ClinVar (database versions not stated): gnomAD exomes below 0.00001.

Submission:

Labcorp Genetics (formerly Invitae), Labcorp
Classification: Uncertain significance for Long QT syndrome. Last evaluated: 2021-02-17. Review status: criteria provided, single submitter. Criteria: Invitae Variant Classification Sherloc (09022015). Collection method: clinical testing. Allele origin: germline.
Comment: Experimental studies and prediction algorithms are not available or were not evaluated, and the functional significance of this variant is currently unknown. This variant has not been reported in the literature in individuals with KCNH2-related conditions. This variant is not present in population databases (ExAC no frequency). This variant, c.1724_1729del, is a complex sequence change that results in the deletion of 3 and insertion of 1 amino acid(s) in the KCNH2 protein (p.Glu575_Pro577delinsAla). In summary, the available evidence is currently insufficient to determine the role of this variant in disease. Therefore, it has been classified as a Variant of Uncertain Significance.

NM_000238.4(KCNH2):c.1724_1729del (p.Glu575_Pro577delinsAla)

Gene: KCNH2 (potassium voltage-gated channel subfamily H member 2; minus strand). Cytogenetic location: 7q36.1.
Variant type: Deletion.
Coding change: c.1724_1729del on transcript NM_000238.4 (MANE Select); coding-DNA positions 1724 to 1729, 6 bases deleted (AGCAGC; older notation c.1724_1729delAGCAGC).
Protein change: p.Glu575_Pro577delinsAla.
Molecular consequence: inframe indel.
Genome position (GRCh38, 1-based): chr7:150,951,664-150,951,669, GCTGCT deleted on the plus strand (AGCAGC on the coding strand, the reverse complement: KCNH2 is on the minus strand). VCF-style (leftmost placement, unchanged base first): chr7-150951663-GGCTGCT-G. GRCh37 (hg19) VCF-style: chr7-150648751-GGCTGCT-G.
Other names: c.704_709del, p.Glu235_Pro237delinsAla (NM_001204798.2, NM_172057.3); c.1436_1441delAGCAGC, p.Glu479_Pro481delinsAla (NM_001406753.1, NM_001406756.1); c.1547_1552delAGCAGC, p.Glu516_Pro518delinsAla (NM_001406755.1); c.1424_1429delAGCAGC, p.Glu475_Pro477delinsAla (NM_001406757.1); c.1724_1729delAGCAGC, p.Glu575_Pro577delinsAla (NM_172056.3).
Identifiers: ClinVar variation 1510910 (VCV001510910.9), dbSNP rs2116962228, ClinGen allele CA2573141867.